The following is an entry in ClinVar:

NM_144573.4(NEXN):c.1029G>A (p.Ala343=)

Gene: NEXN (nexilin F-actin binding protein; plus strand). Cytogenetic location: 1p31.1.
Variant type: single nucleotide variant.
Coding change: c.1029G>A on transcript NM_144573.4 (MANE Select); coding-DNA position 1029, G replaced by A.
Protein change: p.Ala343=; no amino-acid change (alanine 343 retained).
Molecular consequence: synonymous variant.
Genome position (GRCh38, 1-based): chr1:77,929,480, G>A. VCF-style: chr1-77929480-G-A. GRCh37 (hg19) VCF-style: chr1-78395165-G-A.
Other names: c.837G>A, p.Ala279= (NM_001172309.2).
Identifiers: ClinVar variation 178103 (VCV000178103.26), dbSNP rs374260457, ClinGen allele CA181409.

ClinVar aggregate classification (germline): Benign/Likely benign. Review status: criteria provided, multiple submitters, no conflicts (2 of 4 stars). 5 submissions from 5 submitters: Benign (1); Likely benign (4). Last evaluated 2025-11-24.

Conditions:
Cardiovascular phenotype. Identifiers: MedGen CN230736.
Dilated cardiomyopathy 1CC (CMD1CC). Identifiers: Orphanet 154, MedGen C2751084, MONDO:0013147, OMIM 613122.
Hypertrophic cardiomyopathy 20. Identifiers: MedGen C3151267, MONDO:0013477, OMIM 613876.

Allele frequency attached by ClinVar (database versions not stated): ESP Exome Variant Server 0.00008; gnomAD exomes 0.00010; ExAC 0.00011; gnomAD 0.00023; TOPMed 0.00024; 1000 Genomes Project 30x 0.00031; 1000 Genomes Project 0.00040.
gnomAD v4.1: 137 of 1,612,778 alleles (0.0085%); highest among the groups gnomAD compares: African/African-American, 0.06%; no homozygotes.

Submissions (5):

Labcorp Genetics (formerly Invitae), Labcorp
Classification: Likely benign for Dilated cardiomyopathy 1CC; Hypertrophic cardiomyopathy 20. Last evaluated: 2025-11-24. Review status: criteria provided, single submitter. Criteria: Invitae Variant Classification Sherloc (09022015). Collection method: clinical testing. Allele origin: germline.

ARUP Laboratories, Molecular Genetics and Genomics, ARUP Laboratories
Classification: Likely benign. Last evaluated: 2020-10-01. Review status: criteria provided, single submitter. Criteria: ARUP Molecular Germline Variant Investigation Process 2021. Collection method: clinical testing. Allele origin: germline.

Ambry Genetics
Classification: Likely benign for Cardiovascular phenotype. Last evaluated: 2016-09-24. Review status: criteria provided, single submitter. Criteria: Ambry Variant Classification Scheme 2023. Collection method: clinical testing. Allele origin: germline.

GeneDx
Classification: Benign. Last evaluated: 2015-07-22. Review status: criteria provided, single submitter. Criteria: GeneDx Variant Classification (06012015). Collection method: clinical testing. Allele origin: germline. Affected: yes.
Comment: This variant is considered likely benign or benign based on one or more of the following criteria: it is a conservative change, it occurs at a poorly conserved position in the protein, it is predicted to be benign by multiple in silico algorithms, and/or has population frequency not consistent with disease.

Laboratory for Molecular Medicine, Mass General Brigham Personalized Medicine
Classification: Likely benign. Last evaluated: 2012-03-19. Review status: criteria provided, single submitter. Criteria: LMM Criteria. Collection method: clinical testing. Allele origin: germline. Observed: 1 variant allele.
Comment: Ala343Ala in exon 9 of NEXN: This variant is not expected to have clinical signi ficance because it does not alter an amino acid residue and is not located withi n the splice consensus sequence. It has been identified in 1/3722 African Americ an chromosomes by the NHLBI Exome Sequencing Project (du/EVS). Ala343Ala in exon 9 of NEXN (allele freq = 1/3722)**